The following is an entry in ClinVar:

ClinVar aggregate classification (germline): Uncertain significance (1 of 4 stars; one submission).

gnomAD v4.1: 3 of 1,614,090 alleles (0.00019%); highest among the groups gnomAD compares: Non-Finnish European, 0.00025%; no homozygotes.

Submission:

GeneDx
Classification: Uncertain significance. Last evaluated: 2024-12-17. Review status: criteria provided, single submitter. Criteria: GeneDx Variant Classification Process June 2021. Collection method: clinical testing. Allele origin: germline. Affected: yes.
Comment: Not observed at significant frequency in large population cohorts (gnomAD); In silico analysis indicates that this missense variant does not alter protein structure/function; Has not been previously published as pathogenic or benign to our knowledge; This variant is associated with the following publications: (PMID: 21520338, 31554319, 9590290)

NM_005422.4(TECTA):c.4582A>G (p.Ile1528Val)

Genes: TBCEL-TECTA (TBCEL-TECTA readthrough; plus strand), TECTA (tectorin alpha; plus strand). Cytogenetic location: 11q23.3.
Variant type: single nucleotide variant.
Coding change: c.4582A>G on transcript NM_005422.4 (MANE Select); coding-DNA position 4582, A replaced by G.
Protein change: p.Ile1528Val; replaces isoleucine 1528 with valine.
Molecular consequence: missense variant.
Genome position (GRCh38, 1-based): chr11:121,158,117, A>G. VCF-style: chr11-121158117-A-G. GRCh37 (hg19) VCF-style: chr11-121028826-A-G.
Other names: c.5539A>G, p.Ile1847Val (NM_001378761.1); short protein forms I1528V, I1847V.
Identifiers: ClinVar variation 3906686 (VCV003906686.1).
Genomic context (GRCh38, chr11:121,158,117, plus strand): 5'-AACTGCGCCTTCGTGCTGTCCACCATCTGCCAGAAACTGCCCGACATCTCCTTCCAGCTT[A>G]TCATCAACTTCGACAAGTGGTCGGCCCCCAACCTCACCATCATTTCGCCCGTCTACTTCT-3'
Protein context (NP_005413.2, residues 1518-1538): QKLPDISFQL[Ile1528Val]INFDKWSAPN